The following is an entry in ClinVar:

ClinVar aggregate classification (germline): Pathogenic. Review status: criteria provided, multiple submitters, no conflicts (2 of 4 stars). 2 submissions from 2 submitters: Pathogenic (2). Last evaluated 2025-09-02.

Allele frequency attached by ClinVar (database versions not stated): gnomAD exomes below 0.00001.

Submissions (2):

Labcorp Genetics (formerly Invitae), Labcorp
Classification: Pathogenic. Last evaluated: 2025-09-02. Review status: criteria provided, single submitter. Criteria: Invitae Variant Classification Sherloc (09022015). Collection method: clinical testing. Allele origin: germline.
Comment: This sequence change creates a premature translational stop signal (p.Gln1303*) in the CUL7 gene. It is expected to result in an absent or disrupted protein product. Loss-of-function variants in CUL7 are known to be pathogenic (PMID: 16142236, 17675530, 19225462). This variant is present in population databases (no rsID available, gnomAD 0.003%). This premature translational stop signal has been observed in individual(s) with 3-M syndrome (PMID: 16142236). ClinVar contains an entry for this variant (Variation ID: 1071560). For these reasons, this variant has been classified as Pathogenic.

GeneDx
Classification: Pathogenic. Last evaluated: 2023-10-18. Review status: criteria provided, single submitter. Criteria: GeneDx Variant Classification Process June 2021. Collection method: clinical testing. Allele origin: germline. Affected: yes.
Comment: Not observed at significant frequency in large population cohorts (gnomAD); Nonsense variant predicted to result in protein truncation or nonsense mediated decay in a gene for which loss of function is a known mechanism of disease; This variant is associated with the following publications: (PMID: 16142236)

Literature cited by the submitters: PubMed 16142236 (cited by Labcorp Genetics (formerly Invitae), Labcorp); PubMed 17675530 (cited by Labcorp Genetics (formerly Invitae), Labcorp); PubMed 19225462 (cited by Labcorp Genetics (formerly Invitae), Labcorp).

NM_014780.5(CUL7):c.3907C>T (p.Gln1303Ter)

Gene: CUL7 (cullin 7; minus strand). Cytogenetic location: 6p21.1.
Variant type: single nucleotide variant.
Coding change: c.3907C>T on transcript NM_014780.5 (MANE Select); coding-DNA position 3907, C replaced by T.
Protein change: p.Gln1303Ter; replaces glutamine 1303 with a stop codon.
Molecular consequence: nonsense.
Genome position (GRCh38, 1-based): chr6:43,040,646, G>A on the plus strand (C>T on the coding strand, the complement: CUL7 is on the minus strand). VCF-style: chr6-43040646-G-A. GRCh37 (hg19) VCF-style: chr6-43008384-G-A.
Other names: c.3907C>T (NM_014780.4); c.4003C>T, p.Gln1335Ter (NM_001168370.2, NM_001374872.1); c.3907C>T, p.Gln1303Ter (NM_001374873.1); c.3904C>T, p.Gln1302Ter (NM_001374874.1); short protein forms Q1302*, Q1303*, Q1335*.
Identifiers: ClinVar variation 1071560 (VCV001071560.10), dbSNP rs1321391137, ClinGen allele CA501205.